The following is an entry in ClinVar:

ClinVar aggregate classification (germline): Pathogenic (1 of 4 stars; one submission).

Conditions:
Cystic fibrosis (CF). Also called: MUCOVISCIDOSIS. Identifiers: Orphanet 586, MedGen C0010674, MONDO:0009061, OMIM 219700. Disease mechanism: loss of function.

Submission:

Ambry Genetics
Classification: Pathogenic for Cystic fibrosis. Last evaluated: 2023-06-07. Review status: criteria provided, single submitter. Criteria: Ambry Variant Classification Scheme 2023. Collection method: clinical testing. Allele origin: germline.
Comment: The 5T variant, located in intron 9 of the CFTR gene, is an alteration within the poly-thymidine tract, which decreases the efficiency of exon 10 splicing. The 5T variant in trans with a pathogenic CFTR mutation, or in the homozygous state, has been associated with CFTR-related disorders, including bronchiectasis (Sosnay PR et al. Pediatr. Clin. North Am., 2016 08;63:585-98), acute recurrent or chronic pancreatitis (Werlin S et al. J. Pediatr. Gastroenterol. Nutr., 2015 May;60:675-9; Masson E et al. PLoS ONE, 2013 Aug;8:e73522), and congenital bilateral absence of the vas deferens (CBAVD) (Bombieri C et al. J. Cyst. Fibros., 2011 Jun;10 Suppl 2:S86-102). The effect of 5T on exon 10 splicing is influenced by the adjacent TG tract, which usually consists of 11, 12, or 13 TG repeats. Increasing TG tract length correlates with decreased amount of full-length CFTR, thereby leading to higher likelihood of a cystic fibrosis phenotype (Sosnay PR et al. Pediatr. Clin. North Am., 2016 08;63:585-98); information regarding the number of TG repeats adjacent to the 5T allele is limited in pancreatitis and bronchiectasis research (Mantovani V et al. Clin. Chem., 2007 Mar;53:531-3; Bombieri C et al. J. Cyst. Fibros., 2011 Jun;10 Suppl 2:S86-102).

NM_000492.4(CFTR):c.1210-11delinsGTGTG

Genes: CFTR (CF transmembrane conductance regulator; plus strand), CFTR-AS1 (CFTR antisense RNA 1; minus strand). Cytogenetic location: 7q31.2.
Variant type: Indel.
Coding change: c.1210-11delinsGTGTG on transcript NM_000492.4 (MANE Select); 11 bases into the intron before coding-DNA position 1210, T replaced by GTGTG.
Molecular consequence: intron variant.
Genome position (GRCh38, 1-based): chr7:117,548,630, T replaced by GTGTG. VCF-style: chr7-117548630-T-GTGTG. GRCh37 (hg19) VCF-style: chr7-117188684-T-GTGTG.
Identifiers: ClinVar variation 1750156 (VCV001750156.3), dbSNP rs1584793368, ClinGen allele CA2580076496.